The following is an entry in ClinVar:

ClinVar aggregate classification (germline): Likely benign (1 of 4 stars; one submission).

Submission:

CeGaT Center for Human Genetics Tuebingen
Classification: Likely benign. Last evaluated: 2026-03-01. Review status: criteria provided, single submitter. Criteria: CeGaT Center For Human Genetics Tuebingen Variant Classification Criteria Version 2. Collection method: clinical testing. Allele origin: germline. Affected: yes. Observed: 1 variant allele.
Comment: PIGK: PM2:Supporting, BP4, BP7

NM_005482.3(PIGK):c.807T>C (p.Asn269=)

Gene: PIGK (phosphatidylinositol glycan anchor biosynthesis class K; minus strand). Cytogenetic location: 1p31.1.
Variant type: single nucleotide variant.
Coding change: c.807T>C on transcript NM_005482.3 (MANE Select); coding-DNA position 807, T replaced by C.
Protein change: p.Asn269=; no amino-acid change (asparagine 269 retained).
Molecular consequence: synonymous variant.
Genome position (GRCh38, 1-based): chr1:77,161,301, A>G on the plus strand (T>C on the coding strand, the complement: PIGK is on the minus strand). VCF-style: chr1-77161301-A-G. GRCh37 (hg19) VCF-style: chr1-77626986-A-G.
Identifiers: ClinVar variation 4820745 (VCV004820745.4).